The following is an entry in ClinVar:

ClinVar aggregate classification (germline): Uncertain significance (1 of 4 stars; one submission).

Conditions:
Idiopathic generalized epilepsy. Also called: Generalised epilepsy; EIG. Identifiers: MedGen C0270850, MONDO:0005579, OMIM 600669.

Allele frequency attached by ClinVar (database versions not stated): gnomAD exomes 0.00002; gnomAD 0.00003 and 0.00004; TOPMed 0.00003.
gnomAD v4.1: 38 of 1,535,030 alleles (0.0025%); highest among the groups gnomAD compares: Non-Finnish European, 0.0029%; no homozygotes.

Submission:

Labcorp Genetics (formerly Invitae), Labcorp
Classification: Uncertain significance for Idiopathic generalized epilepsy. Last evaluated: 2023-01-20. Review status: criteria provided, single submitter. Criteria: Invitae Variant Classification Sherloc (09022015). Collection method: clinical testing. Allele origin: germline.
Comment: This variant is present in population databases (no rsID available, gnomAD 0.03%). This sequence change falls in intron 14 of the RBFOX3 gene. It does not directly change the encoded amino acid sequence of the RBFOX3 protein. It affects a nucleotide within the consensus splice site. In summary, the available evidence is currently insufficient to determine the role of this variant in disease. Therefore, it has been classified as a Variant of Uncertain Significance. Variants that disrupt the consensus splice site are a relatively common cause of aberrant splicing (PMID: 17576681, 9536098). Algorithms developed to predict the effect of sequence changes on RNA splicing suggest that this variant may create or strengthen a splice site. ClinVar contains an entry for this variant (Variation ID: 1377219). This variant has not been reported in the literature in individuals affected with RBFOX3-related conditions.

Literature cited by the submitters: PubMed 17576681; PubMed 9536098.

NM_001350451.2(RBFOX3):c.1078-3T>C

Gene: RBFOX3 (RNA binding fox-1 homolog 3; minus strand). Cytogenetic location: 17q25.3.
Variant type: single nucleotide variant.
Coding change: c.1078-3T>C on transcript NM_001350451.2 (MANE Select); 3 bases into the intron before coding-DNA position 1078, T replaced by C.
Molecular consequence: intron variant.
Genome position (GRCh38, 1-based): chr17:79,090,888, A>G on the plus strand (T>C on the coding strand, the complement: RBFOX3 is on the minus strand). VCF-style: chr17-79090888-A-G. GRCh37 (hg19) VCF-style: chr17-77086970-A-G.
Other names: c.1078-3T>C (NM_001385807.1, NM_001385814.1, NM_001385818.1 and 12 more transcripts); c.937-3T>C (NM_001385838.1, NM_001385842.1, NM_001350453.2 and 14 more transcripts); c.934-3T>C (NM_001385846.1, NM_001385845.1, NM_001385843.1 and 1 more transcripts); c.1075-3T>C (NM_001385822.1, NM_001385823.1); c.985-3T>C (NM_001385824.1); c.958-3T>C (NM_001385827.1); c.790-3T>C (NM_001385847.1).
Identifiers: ClinVar variation 1377219 (VCV001377219.6), dbSNP rs990360044, ClinGen allele CA294772085.
Genomic context (GRCh38, chr17:79,090,888, plus strand): 5'-TTTTTGTTTTTTTGTTTTTGCCCTTCATGGTCCGAGAAGGAAACGGTGGAAGGTTTCACT[A>G]CAACAGAAACAGAAAGGCAGGACTTGCAGCTTCTCGGGGGAGGCACAGCAGGTGTGAAGG-3'